The following is an entry in ClinVar:

NM_000222.3(KIT):c.2024A>G (p.Tyr675Cys)

Gene: KIT (KIT proto-oncogene, receptor tyrosine kinase; plus strand). Cytogenetic location: 4q12.
Variant type: single nucleotide variant.
Coding change: c.2024A>G on transcript NM_000222.3 (MANE Select); coding-DNA position 2024, A replaced by G.
Protein change: p.Tyr675Cys; replaces tyrosine 675 with cysteine.
Molecular consequence: missense variant.
Genome position (GRCh38, 1-based): chr4:54,729,368, A>G. VCF-style: chr4-54729368-A-G. GRCh37 (hg19) VCF-style: chr4-55595534-A-G.
Other names: c.2012A>G, p.Tyr671Cys (NM_001093772.2, NM_001385286.1); c.2027A>G, p.Tyr676Cys (NM_001385284.1, NM_001385290.1); c.2024A>G, p.Tyr675Cys (NM_001385285.1); c.2015A>G, p.Tyr672Cys (NM_001385288.1, NM_001385292.1); short protein forms Y671C, Y672C, Y676C, Y675C.
Identifiers: ClinVar variation 1029723 (VCV001029723.4), dbSNP rs764970586, ClinGen allele CA2923635.

ClinVar aggregate classification (germline): Uncertain significance. Review status: criteria provided, multiple submitters, no conflicts (2 of 4 stars). 2 submissions from 2 submitters: Uncertain significance (2). Last evaluated 2023-12-26.

Conditions:
Gastrointestinal stromal tumor. Also called: Gastrointestinal stromal tumor, somatic; Gastrointestinal stroma tumor. Identifiers: Orphanet 44890, MedGen C0238198, MeSH D046152, MONDO:0011719, OMIM 606764, HP:0100723.
Piebaldism. Also called: Piebald skin depigmentation. Identifiers: Orphanet 2884, MedGen C0080024, MONDO:0008244, OMIM 172800, HP:0007544.

Allele frequency attached by ClinVar (database versions not stated): gnomAD exomes below 0.00001; ExAC 0.00001.
gnomAD v4.1: 1 of 1,613,732 alleles (0.000062%); highest among the groups gnomAD compares: Non-Finnish European, 0.000085%; no homozygotes.

Submissions (2):

Labcorp Genetics (formerly Invitae), Labcorp
Classification: Uncertain significance for Gastrointestinal stromal tumor. Last evaluated: 2023-12-26. Review status: criteria provided, single submitter. Criteria: Invitae Variant Classification Sherloc (09022015). Collection method: clinical testing. Allele origin: germline.
Comment: This sequence change replaces tyrosine, which is neutral and polar, with cysteine, which is neutral and slightly polar, at codon 675 of the KIT protein (p.Tyr675Cys). This variant is present in population databases (rs764970586, gnomAD 0.0009%). This variant has not been reported in the literature in individuals affected with KIT-related conditions. ClinVar contains an entry for this variant (Variation ID: 1029723). An algorithm developed to predict the effect of missense changes on protein structure and function (PolyPhen-2) suggests that this variant is likely to be disruptive. In summary, the available evidence is currently insufficient to determine the role of this variant in disease. Therefore, it has been classified as a Variant of Uncertain Significance.

Baylor Genetics
Classification: Uncertain significance for Piebaldism. Last evaluated: 2020-02-17. Review status: criteria provided, single submitter. Criteria: ACMG Guidelines, 2015. Collection method: clinical testing. Allele origin: unknown. Affected: yes.
Comment: This variant was determined to be of uncertain significance according to ACMG Guidelines, 2015 [PMID:25741868].